The following is an entry in ClinVar:

ClinVar aggregate classification (germline): Uncertain significance. Review status: criteria provided, multiple submitters, no conflicts (2 of 4 stars). 2 submissions from 2 submitters: Uncertain significance (2). Last evaluated 2024-12-03.

Conditions:
Dextro-looped transposition of the great arteries. Also called: Dextrotransposition of the great arteries. Identifiers: Orphanet 860, MedGen C3531771, MONDO:0019443, OMIM 608808, HP:0031348.
Inborn genetic diseases. Identifiers: MedGen C0950123, MeSH D030342.

Allele frequency attached by ClinVar (database versions not stated): gnomAD exomes below 0.00001.
gnomAD v4.1: 2 of 1,614,156 alleles (0.00012%); highest among the groups gnomAD compares: Non-Finnish European, 0.00017%; no homozygotes.

Submissions (2):

Ambry Genetics
Classification: Uncertain significance for Inborn genetic diseases. Last evaluated: 2024-12-03. Review status: criteria provided, single submitter. Criteria: Ambry Variant Classification Scheme 2023. Collection method: clinical testing. Allele origin: germline.

Labcorp Genetics (formerly Invitae), Labcorp
Classification: Uncertain significance for Dextro-looped transposition of the great arteries. Last evaluated: 2023-06-23. Review status: criteria provided, single submitter. Criteria: Invitae Variant Classification Sherloc (09022015). Collection method: clinical testing. Allele origin: germline.
Comment: In summary, the available evidence is currently insufficient to determine the role of this variant in disease. Therefore, it has been classified as a Variant of Uncertain Significance. Advanced modeling of protein sequence and biophysical properties (such as structural, functional, and spatial information, amino acid conservation, physicochemical variation, residue mobility, and thermodynamic stability) performed at Invitae indicates that this missense variant is not expected to disrupt MED13L protein function. ClinVar contains an entry for this variant (Variation ID: 2054705). This variant has not been reported in the literature in individuals affected with MED13L-related conditions. This variant is not present in population databases (gnomAD no frequency). This sequence change replaces threonine, which is neutral and polar, with alanine, which is neutral and non-polar, at codon 1234 of the MED13L protein (p.Thr1234Ala).

NM_015335.5(MED13L):c.3700A>G (p.Thr1234Ala)

Gene: MED13L (mediator complex subunit 13L; minus strand). Cytogenetic location: 12q24.21.
Variant type: single nucleotide variant.
Coding change: c.3700A>G on transcript NM_015335.5 (MANE Select); coding-DNA position 3700, A replaced by G.
Protein change: p.Thr1234Ala; replaces threonine 1234 with alanine.
Molecular consequence: missense variant.
Genome position (GRCh38, 1-based): chr12:115,991,254, T>C on the plus strand (A>G on the coding strand, the complement: MED13L is on the minus strand). VCF-style: chr12-115991254-T-C. GRCh37 (hg19) VCF-style: chr12-116429059-T-C.
Other names: c.3700A>G (NM_015335.4); short protein forms T1234A.
Identifiers: ClinVar variation 2054705 (VCV002054705.5), dbSNP rs140989788, ClinGen allele CA386886768.
Genomic context (GRCh38, chr12:115,991,254, plus strand): 5'-GAGTTTGGCGATTGTTAGAGGAAATGTAGTCCAGGAAATTCAGTGAAGCAAAAGGTTGTG[T>C]GTGTTGATTCTGGAGGAGGAGGAGAAGGCTTATGGGTGGCTCCTGGGGTTTTTTGGTTCC-3'
Protein context (NP_056150.1, residues 1224-1244): SLLLLLQNQH[Thr1234Ala]QPFASLNFLD